The following is an entry in ClinVar:

ClinVar aggregate classification (germline): Uncertain significance. Review status: criteria provided, multiple submitters, no conflicts (2 of 4 stars). 2 submissions from 2 submitters: Uncertain significance (2). Last evaluated 2025-07-29.

Conditions:
Episodic ataxia type 2 (EA2). Also called: CEREBELLAR ATAXIA, PAROXYSMAL, ACETAZOLAMIDE-RESPONSIVE; CEREBELLOPATHY, HEREDITARY PAROXYSMAL; EPISODIC ATAXIA, NYSTAGMUS-ASSOCIATED; ACETAZOLAMIDE-RESPONSIVE HEREDITARY PAROXYSMAL CEREBELLAR ATAXIA; ATAXIA, EPISODIC, WITH NYSTAGMUS; ATAXIA, FAMILIAL PAROXYSMAL. Identifiers: Orphanet 97, MedGen C1720416, MONDO:0007163, OMIM 108500.
Developmental and epileptic encephalopathy, 42 (DEE42A). Also called: Epileptic encephalopathy, early infantile, 42; DEVELOPMENTAL AND EPILEPTIC ENCEPHALOPATHY 42A; EPILEPTIC ENCEPHALOPATHY, EARLY INFANTILE, 42A. Identifiers: MedGen C4310716, MONDO:0014917, OMIM 617106.

Submissions (2):

GeneDx
Classification: Uncertain significance. Last evaluated: 2025-07-29. Review status: criteria provided, single submitter. Criteria: GeneDx Variant Classification Process June 2021. Collection method: clinical testing. Allele origin: germline. Affected: yes.
Comment: Not observed at significant frequency in large population cohorts (gnomAD); In silico analysis suggests that this missense variant does not alter protein structure/function; Has not been previously published as pathogenic or benign to our knowledge

Labcorp Genetics (formerly Invitae), Labcorp
Classification: Uncertain significance for Developmental and epileptic encephalopathy, 42; Episodic ataxia type 2. Last evaluated: 2023-02-22. Review status: criteria provided, single submitter. Criteria: Invitae Variant Classification Sherloc (09022015). Collection method: clinical testing. Allele origin: germline.
Comment: In summary, the available evidence is currently insufficient to determine the role of this variant in disease. Therefore, it has been classified as a Variant of Uncertain Significance. Advanced modeling of protein sequence and biophysical properties (such as structural, functional, and spatial information, amino acid conservation, physicochemical variation, residue mobility, and thermodynamic stability) performed at Invitae indicates that this missense variant is not expected to disrupt CACNA1A protein function. This sequence change replaces leucine, which is neutral and non-polar, with proline, which is neutral and non-polar, at codon 1179 of the CACNA1A protein (p.Leu1179Pro). This variant is not present in population databases (gnomAD no frequency). This variant has not been reported in the literature in individuals affected with CACNA1A-related conditions.

NM_001127222.2(CACNA1A):c.3533T>C (p.Leu1178Pro)

Gene: CACNA1A (calcium voltage-gated channel subunit alpha1 A; minus strand). Cytogenetic location: 19p13.13.
Variant type: single nucleotide variant.
Coding change: c.3533T>C on transcript NM_001127222.2 (MANE Select); coding-DNA position 3533, T replaced by C.
Protein change: p.Leu1178Pro; replaces leucine 1178 with proline.
Molecular consequence: missense variant.
Genome position (GRCh38, 1-based): chr19:13,286,523, A>G on the plus strand (T>C on the coding strand, the complement: CACNA1A is on the minus strand). VCF-style: chr19-13286523-A-G. GRCh37 (hg19) VCF-style: chr19-13397337-A-G.
Other names: c.3545T>C, p.Leu1182Pro (NM_000068.4, NM_023035.3); c.3536T>C, p.Leu1179Pro (NM_001127221.2, NM_001174080.2); short protein forms L1179P, L1178P, L1182P.
Identifiers: ClinVar variation 2937466 (VCV002937466.4), dbSNP rs761259850, ClinGen allele CA404341183.
Genomic context (GRCh38, chr19:13,286,523, plus strand): 5'-CAGGTCCCCTGCCCAGTGATGTGAGAGCAGAGGGTCTCACCTTGTACGACGGTGTGGTTG[A>G]GGGGGGGTGGGCAGGCTGGGGGGATGTCCACTGTGGTGTGGTCGGGTTTCCTGGCAGTCT-3'
Protein context (NP_001120694.1, residues 1168-1188): VDIPPACPPP[Leu1178Pro]NHTVVQVNKN